The following is an entry in ClinVar:

NM_006206.6(PDGFRA):c.2880G>T (p.Lys960Asn)

Gene: PDGFRA (platelet derived growth factor receptor alpha; plus strand). Cytogenetic location: 4q12.
Variant type: single nucleotide variant.
Coding change: c.2880G>T on transcript NM_006206.6 (MANE Select); coding-DNA position 2880, G replaced by T.
Protein change: p.Lys960Asn; replaces lysine 960 with asparagine.
Molecular consequence: missense variant.
Genome position (GRCh38, 1-based): chr4:54,289,114, G>T. VCF-style: chr4-54289114-G-T. GRCh37 (hg19) VCF-style: chr4-55155281-G-T.
Other names: c.2955G>T, p.Lys985Asn (NM_001347828.2); c.2880G>T, p.Lys960Asn (NM_001347829.2); c.2919G>T, p.Lys973Asn (NM_001347830.2); short protein forms K960N, K973N, K985N.
Identifiers: ClinVar variation 962378 (VCV000962378.11), dbSNP rs1724504505, ClinGen allele CA356895889.

ClinVar aggregate classification (germline): Uncertain significance. Review status: criteria provided, multiple submitters, no conflicts (2 of 4 stars). 2 submissions from 2 submitters: Uncertain significance (2). Last evaluated 2025-07-23.

Conditions:
Hereditary cancer-predisposing syndrome. Also called: Hereditary neoplastic syndrome; Neoplastic Syndromes, Hereditary; Hereditary Cancer Syndrome; Tumor predisposition. Identifiers: Orphanet 140162, MedGen C0027672, MeSH D009386, MONDO:0015356.
Gastrointestinal stromal tumor. Also called: Gastrointestinal stromal tumor, somatic; Gastrointestinal stroma tumor. Identifiers: Orphanet 44890, MedGen C0238198, MeSH D046152, MONDO:0011719, OMIM 606764, HP:0100723.

Submissions (2):

Ambry Genetics
Classification: Uncertain significance for Hereditary cancer-predisposing syndrome. Last evaluated: 2025-07-23. Review status: criteria provided, single submitter. Criteria: Ambry Variant Classification Scheme 2023. Collection method: clinical testing. Allele origin: germline.
Comment: The c.2880G>T variant (also known as p.K960N), located in coding exon 20 of the PDGFRA gene, results from a G to T substitution at nucleotide position 2880. The amino acid change results in lysine to asparagine at codon 960, an amino acid with similar properties. However, this change occurs in the last base pair of coding exon 20, and may have some effect on normal mRNA splicing. This nucleotide position is well conserved in available vertebrate species. In silico splice site analysis for this alteration is inconclusive. This amino acid position is well conserved in available vertebrate species. In addition, as a missense substitution this is predicted to be inconclusive by in silico analysis. However, loss of function of PDGFRA has not been established as a mechanism of disease. Based on the available evidence, the clinical significance of this variant remains unclear.

Labcorp Genetics (formerly Invitae), Labcorp
Classification: Uncertain significance for Gastrointestinal stromal tumor. Last evaluated: 2023-09-08. Review status: criteria provided, single submitter. Criteria: Invitae Variant Classification Sherloc (09022015). Collection method: clinical testing. Allele origin: germline.
Comment: ClinVar contains an entry for this variant (Variation ID: 962378). This variant has not been reported in the literature in individuals affected with PDGFRA-related conditions. This variant is not present in population databases (gnomAD no frequency). This sequence change replaces lysine, which is basic and polar, with asparagine, which is neutral and polar, at codon 960 of the PDGFRA protein (p.Lys960Asn). This variant also falls at the last nucleotide of exon 21, which is part of the consensus splice site for this exon. In summary, the available evidence is currently insufficient to determine the role of this variant in disease. Therefore, it has been classified as a Variant of Uncertain Significance. Variants that disrupt the consensus splice site are a relatively common cause of aberrant splicing (PMID: 17576681, 9536098). An algorithm developed to predict the effect of missense changes on protein structure and function (PolyPhen-2) suggests that this variant is likely to be disruptive.

Literature cited by the submitters: PubMed 17576681 (cited by Labcorp Genetics (formerly Invitae), Labcorp); PubMed 9536098 (cited by Labcorp Genetics (formerly Invitae), Labcorp).